The following is an entry in ClinVar:

NM_000142.5(FGFR3):c.278G>A (p.Arg93Gln)

Gene: FGFR3 (fibroblast growth factor receptor 3; plus strand). Cytogenetic location: 4p16.3.
Variant type: single nucleotide variant.
Coding change: c.278G>A on transcript NM_000142.5 (MANE Select); coding-DNA position 278, G replaced by A.
Protein change: p.Arg93Gln; replaces arginine 93 with glutamine.
Molecular consequence: missense variant. On other transcripts: non-coding transcript variant (1).
Genome position (GRCh38, 1-based): chr4:1,799,422, G>A. VCF-style: chr4-1799422-G-A. GRCh37 (hg19) VCF-style: chr4-1801149-G-A.
Other names: c.278G>A, p.Arg93Gln (NM_001163213.2, NM_001354809.2, NM_001354810.2 and 1 more transcripts); short protein forms R93Q.
Identifiers: ClinVar variation 1679989 (VCV001679989.6), dbSNP rs771333357, ClinGen allele CA2809759.

ClinVar aggregate classification (germline): Uncertain significance (1 of 4 stars; one submission).

Allele frequency attached by ClinVar (database versions not stated): gnomAD exomes 0.00002 and 0.00001; TOPMed below 0.00001; ExAC 0.00002.
gnomAD v4.1: 17 of 1,611,300 alleles (0.0011%); highest among the groups gnomAD compares: South Asian, 0.0033%; no homozygotes.

Submission:

Labcorp Genetics (formerly Invitae), Labcorp
Classification: Uncertain significance. Last evaluated: 2025-04-07. Review status: criteria provided, single submitter. Criteria: Invitae Variant Classification Sherloc (09022015). Collection method: clinical testing. Allele origin: germline.
Comment: This sequence change replaces arginine, which is basic and polar, with glutamine, which is neutral and polar, at codon 93 of the FGFR3 protein (p.Arg93Gln). This variant is present in population databases (rs771333357, gnomAD 0.003%). This variant has not been reported in the literature in individuals affected with FGFR3-related conditions. ClinVar contains an entry for this variant (Variation ID: 1679989). An algorithm developed to predict the effect of missense changes on protein structure and function outputs the following: PolyPhen-2: "Benign". The glutamine amino acid residue is found in multiple mammalian species, which suggests that this missense change does not adversely affect protein function. In summary, the available evidence is currently insufficient to determine the role of this variant in disease. Therefore, it has been classified as a Variant of Uncertain Significance.